The following is an entry in ClinVar:

NM_021930.6(RINT1):c.1967G>T (p.Arg656Leu)

Genes: EFCAB10 (EF-hand calcium binding domain 10; minus strand), RINT1 (RAD50 interactor 1; plus strand). Cytogenetic location: 7q22.3.
Variant type: single nucleotide variant.
Coding change: c.1967G>T on transcript NM_021930.6 (MANE Select); coding-DNA position 1967, G replaced by T.
Protein change: p.Arg656Leu; replaces arginine 656 with leucine.
Molecular consequence: missense variant. On other transcripts: 3 prime UTR variant (3), non-coding transcript variant (1).
Genome position (GRCh38, 1-based): chr7:105,565,357, G>T. VCF-style: chr7-105565357-G-T. GRCh37 (hg19) VCF-style: chr7-105205804-G-T.
Other names: c.*90C>A (NM_001355526.2); c.*192C>A (NM_001355530.2); c.*45C>A (NM_001355531.2); c.1733G>T, p.Arg578Leu (NM_001346599.2); c.944G>T, p.Arg315Leu (NM_001346600.2, NM_001346603.2); c.1043G>T, p.Arg348Leu (NM_001346601.2); short protein forms R348L, R656L, R315L, R578L.
Identifiers: ClinVar variation 3433538 (VCV003433538.1).

ClinVar aggregate classification (germline): Uncertain significance (1 of 4 stars; one submission).

gnomAD v4.1: 1 of 1,614,166 alleles (0.000062%); highest among the groups gnomAD compares: Admixed American, 0.0017%; no homozygotes.

Submission:

Ambry Genetics
Classification: Uncertain significance. Last evaluated: 2024-10-23. Review status: criteria provided, single submitter. Criteria: Ambry Variant Classification Scheme 2023. Collection method: clinical testing. Allele origin: germline.
Comment: The p.R656L variant (also known as c.1967G>T), located in coding exon 13 of the RINT1 gene, results from a G to T substitution at nucleotide position 1967. The arginine at codon 656 is replaced by leucine, an amino acid with dissimilar properties. This amino acid position is conserved. In addition, the in silico prediction for this alteration is inconclusive. Based on the available evidence, the clinical significance of this variant remains unclear.